The following is an entry in ClinVar:

NM_015692.5(CPAMD8):c.1617C>A (p.Asp539Glu)

Gene: CPAMD8 (C3 and PZP like alpha-2-macroglobulin domain containing 8; minus strand). Cytogenetic location: 19p13.11.
Variant type: single nucleotide variant.
Coding change: c.1617C>A on transcript NM_015692.5 (MANE Select); coding-DNA position 1617, C replaced by A.
Protein change: p.Asp539Glu; replaces aspartic acid 539 with glutamic acid.
Molecular consequence: missense variant.
Genome position (GRCh38, 1-based): chr19:16,977,509, G>T on the plus strand (C>A on the coding strand, the complement: CPAMD8 is on the minus strand). VCF-style: chr19-16977509-G-T. GRCh37 (hg19) VCF-style: chr19-17088319-G-T.
Other names: short protein forms D539E.
Identifiers: ClinVar variation 1241948 (VCV001241948.13), dbSNP rs3745335, ClinGen allele CA9285634.

ClinVar aggregate classification (germline): Benign. Review status: criteria provided, multiple submitters, no conflicts (2 of 4 stars). 4 submissions from 4 submitters: Benign (3). 1 of the submissions does not count toward it. Last evaluated 2026-02-02.

Conditions:
CPAMD8-related disorder. Also called: CPAMD8-related condition.

Allele frequency attached by ClinVar (database versions not stated): ESP Exome Variant Server 0.32099; gnomAD 0.32613; TOPMed 0.33623; 1000 Genomes Project 30x 0.34791; 1000 Genomes Project 0.34904.
gnomAD v4.1: 440,911 of 1,600,264 alleles (28%); highest among the groups gnomAD compares: African/African-American, 46%; 63,369 homozygotes.

Submissions (4):

Labcorp Genetics (formerly Invitae), Labcorp
Classification: Benign. Last evaluated: 2026-02-02. Review status: criteria provided, single submitter. Criteria: Invitae Variant Classification Sherloc (09022015). Collection method: clinical testing. Allele origin: germline.

GeneDx
Classification: Benign. Last evaluated: 2021-05-04. Review status: criteria provided, single submitter. Criteria: GeneDx Variant Classification Process June 2021. Collection method: clinical testing. Allele origin: germline. Affected: yes.

Breakthrough Genomics
Classification: Benign. Review status: criteria provided, single submitter. Criteria: ACMG Guidelines, 2015. Collection method: not provided. Allele origin: germline. Inheritance: Autosomal recessive inheritance. Affected: yes.

PreventionGenetics, part of Exact Sciences
Classification: Benign for CPAMD8-related condition. Last evaluated: 2019-03-14. Review status: no assertion criteria provided. Collection method: clinical testing. Allele origin: germline. Not counted in ClinVar's aggregate classification.
Comment: This variant is classified as benign based on ACMG/AMP sequence variant interpretation guidelines (Richards et al. 2015 PMID: 25741868, with internal and published modifications).